The following is an entry in ClinVar:

NM_144508.5(KNL1):c.6034A>G (p.Ile2012Val)

Gene: KNL1 (kinetochore scaffold 1; plus strand). Cytogenetic location: 15q15.1.
Variant type: single nucleotide variant.
Coding change: c.6034A>G on transcript NM_144508.5 (MANE Select); coding-DNA position 6034, A replaced by G.
Protein change: p.Ile2012Val; replaces isoleucine 2012 with valine.
Molecular consequence: missense variant.
Genome position (GRCh38, 1-based): chr15:40,647,014, A>G. VCF-style: chr15-40647014-A-G. GRCh37 (hg19) VCF-style: chr15-40939212-A-G.
Other names: NC_000015.9:g.40939212A>G; c.6112A>G, p.Ile2038Val (NM_170589.5); short protein forms I2038V, I2012V.
Identifiers: ClinVar variation 210574 (VCV000210574.41), dbSNP rs74970544, ClinGen allele CA209900.

ClinVar aggregate classification (germline): Benign/Likely benign. Review status: criteria provided, multiple submitters, no conflicts (2 of 4 stars). 7 submissions from 7 submitters: Benign (1); Likely benign (4). 2 of the submissions do not count toward it. Last evaluated 2022-04-01.

Conditions:
Microcephaly 4, primary, autosomal recessive. Identifiers: Orphanet 2512, MedGen C1858516, MONDO:0011437, OMIM 604321.

Allele frequency attached by ClinVar (database versions not stated): gnomAD exomes 0.00032 and 0.00087; ExAC 0.00104; gnomAD 0.00383 and 0.00405; TOPMed 0.00394; ESP Exome Variant Server 0.00409; 1000 Genomes Project 30x 0.00468; 1000 Genomes Project 0.00479.
gnomAD v4.1: 1,020 of 1,507,072 alleles (0.068%); highest among the groups gnomAD compares: African/African-American, 1.3%; 5 homozygotes.

Submissions (10):

CeGaT Center for Human Genetics Tuebingen
Classification: Likely benign. Last evaluated: 2022-04-01. Review status: criteria provided, single submitter. Criteria: CeGaT Center For Human Genetics Tuebingen Variant Classification Criteria Version 2. Collection method: clinical testing. Allele origin: germline. Affected: yes. Observed: 1 variant allele.
Comment: KNL1: BS1

GeneDx
Classification: Likely benign. Last evaluated: 2022-02-13. Review status: criteria provided, single submitter. Criteria: GeneDx Variant Classification Process June 2021. Collection method: clinical testing. Allele origin: germline. Affected: yes.
Comment: See Variant Classification Assertion Criteria.

Labcorp Genetics (formerly Invitae), Labcorp
Classification: Benign. Last evaluated: 2019-12-31. Review status: criteria provided, single submitter. Criteria: Invitae Variant Classification Sherloc (09022015). Collection method: clinical testing. Allele origin: germline.

Genetic Services Laboratory, University of Chicago
Classification: Likely benign. Last evaluated: 2019-02-26. Review status: criteria provided, single submitter. Criteria: ACMG Guidelines, 2015. Collection method: clinical testing. Allele origin: germline. Affected: no.

Illumina Laboratory Services, Illumina
Classification: Likely benign for Microcephaly 4, primary, autosomal recessive. Last evaluated: 2018-01-12. Review status: criteria provided, single submitter. Criteria: ICSL Variant Classification Criteria 13 December 2019. Collection method: clinical testing. Allele origin: germline.
Comment: This variant was observed in the ICSL laboratory as part of a predisposition screen in an ostensibly healthy population. It had not been previously curated by ICSL or reported in the Human Gene Mutation Database (HGMD: prior to June 1st, 2018), and was therefore a candidate for classification through an automated scoring system. Utilizing variant allele frequency, disease prevalence and penetrance estimates, and inheritance mode, an automated score was calculated to assess if this variant is too frequent to cause the disease. Based on the score and internal cut-off values, a variant classified as likely benign is not then subjected to further curation. The score for this variant resulted in a classification of likely benign for this disease.

Clinical Genetics DNA and cytogenetics Diagnostics Lab, Erasmus MC, Erasmus Medical Center
Classification: Benign. Review status: no assertion criteria provided. Collection method: clinical testing. Allele origin: germline. Affected: yes. Study: VKGL Data-share Consensus. Not counted in ClinVar's aggregate classification.

Dr. Peter K. Rogan Lab, Western University
No classification provided (evidence only). Condition: Lung cancer. Review status: no classification provided. Collection method: in vitro. Allele origin: not applicable. Functional consequence: retained intron. Not counted in ClinVar's aggregate classification.

Dr. Peter K. Rogan Lab, Western University
No classification provided (evidence only). Condition: Thyroid cancer, nonmedullary, 1. Review status: no classification provided. Collection method: in vitro. Allele origin: not applicable. Functional consequence: retained intron. Not counted in ClinVar's aggregate classification.

Dr. Peter K. Rogan Lab, Western University
No classification provided (evidence only). Condition: Thymoma. Review status: no classification provided. Collection method: in vitro. Allele origin: not applicable. Functional consequence: skipped exon. Not counted in ClinVar's aggregate classification.

Laboratory of Diagnostic Genome Analysis, Leiden University Medical Center (LUMC)
Classification: Likely benign. Review status: no assertion criteria provided. Collection method: clinical testing. Allele origin: germline. Affected: yes. Study: VKGL Data-share Consensus. Not counted in ClinVar's aggregate classification.